The following is an entry in ClinVar:

ClinVar aggregate classification (germline): Uncertain significance. Review status: criteria provided, multiple submitters, no conflicts (2 of 4 stars). 2 submissions from 2 submitters: Uncertain significance (2). Last evaluated 2026-04-08.

Conditions:
Inborn genetic diseases. Identifiers: MedGen C0950123, MeSH D030342.

gnomAD v4.1: 12 of 1,611,876 alleles (0.00074%); highest among the groups gnomAD compares: Non-Finnish European, 0.001%; no homozygotes.

Submissions (2):

Ambry Genetics
Classification: Uncertain significance for Inborn genetic diseases. Last evaluated: 2026-04-08. Review status: criteria provided, single submitter. Criteria: Ambry Variant Classification Scheme 2023. Collection method: clinical testing. Allele origin: germline.

GeneDx
Classification: Uncertain significance. Last evaluated: 2026-01-08. Review status: criteria provided, single submitter. Criteria: GeneDx Variant Classification Process June 2021. Collection method: clinical testing. Allele origin: germline.
Comment: Not observed at significant frequency in large population cohorts (gnomAD); In silico analysis suggests that this missense variant does not alter protein structure/function; Has not been previously published as pathogenic or benign to our knowledge

NM_001349798.2(FBXW7):c.1004A>C (p.His335Pro)

Gene: FBXW7 (F-box and WD repeat domain containing 7; minus strand). Cytogenetic location: 4q31.3.
Variant type: single nucleotide variant.
Coding change: c.1004A>C on transcript NM_001349798.2 (MANE Select); coding-DNA position 1004, A replaced by C.
Protein change: p.His335Pro; replaces histidine 335 with proline.
Molecular consequence: missense variant.
Genome position (GRCh38, 1-based): chr4:152,330,850, T>G on the plus strand (A>C on the coding strand, the complement: FBXW7 is on the minus strand). VCF-style: chr4-152330850-T-G. GRCh37 (hg19) VCF-style: chr4-153252002-T-G.
Other names: c.1004A>C (NM_033632.2); c.650A>C, p.His217Pro (NM_001013415.2); c.764A>C, p.His255Pro (NM_018315.5); c.1004A>C, p.His335Pro (NM_033632.3); short protein forms H217P, H255P, H335P.
Identifiers: ClinVar variation 3903107 (VCV003903107.3).